The following is an entry in ClinVar:

ClinVar aggregate classification (germline): Uncertain significance (1 of 4 stars; one submission).

Conditions:
Cardiovascular phenotype. Identifiers: MedGen CN230736.

Submission:

Ambry Genetics
Classification: Uncertain significance for Cardiovascular phenotype. Last evaluated: 2025-12-10. Review status: criteria provided, single submitter. Criteria: Ambry Variant Classification Scheme 2023. Collection method: clinical testing. Allele origin: germline.
Comment: The p.W428G variant (also known as c.1282T>G), located in coding exon 8 of the PCSK9 gene, results from a T to G substitution at nucleotide position 1282. The tryptophan at codon 428 is replaced by glycine, an amino acid with highly dissimilar properties. This amino acid position is conserved. In addition, this alteration is predicted to be tolerated by in silico analysis. Based on the available evidence, the clinical significance of this variant remains unclear.

NM_174936.4(PCSK9):c.1282T>G (p.Trp428Gly)

Gene: PCSK9 (proprotein convertase subtilisin/kexin type 9; plus strand). Cytogenetic location: 1p32.3.
Variant type: single nucleotide variant.
Coding change: c.1282T>G on transcript NM_174936.4 (MANE Select); coding-DNA position 1282, T replaced by G.
Protein change: p.Trp428Gly; replaces tryptophan 428 with glycine.
Molecular consequence: missense variant. On other transcripts: non-coding transcript variant (8), intron variant (2).
Genome position (GRCh38, 1-based): chr1:55,058,137, T>G. VCF-style: chr1-55058137-T-G. GRCh37 (hg19) VCF-style: chr1-55523810-T-G.
Other names: c.1181-362T>G (NM_001407244.1); c.1180+623T>G (NM_001407247.1); c.1405T>G, p.Trp469Gly (NM_001407240.1); c.1282T>G, p.Trp428Gly (NM_001407241.1); c.1285T>G, p.Trp429Gly (NM_001407242.1); c.1225T>G, p.Trp409Gly (NM_001407243.1); c.1090T>G, p.Trp364Gly (NM_001407245.1); c.907T>G, p.Trp303Gly (NM_001407246.1); short protein forms W409G, W429G, W303G, W428G, W469G, W364G.
Identifiers: ClinVar variation 4614720 (VCV004614720.1).